The following is an entry in ClinVar:

ClinVar aggregate classification (germline): Likely pathogenic (1 of 4 stars; one submission).

Submission:

Labcorp Genetics (formerly Invitae), Labcorp
Classification: Likely pathogenic. Last evaluated: 2024-03-25. Review status: criteria provided, single submitter. Criteria: Invitae Variant Classification Sherloc (09022015). Collection method: clinical testing. Allele origin: germline.
Comment: This sequence change affects a donor splice site in intron 61 of the VPS13A gene. It is expected to disrupt RNA splicing. Variants that disrupt the donor or acceptor splice site typically lead to a loss of protein function (PMID: 16199547), and loss-of-function variants in VPS13A are known to be pathogenic (PMID: 12404112, 21598378). This variant is not present in population databases (gnomAD no frequency). This variant has not been reported in the literature in individuals affected with VPS13A-related conditions. Algorithms developed to predict the effect of sequence changes on RNA splicing suggest that this variant may disrupt the consensus splice site. In summary, the currently available evidence indicates that the variant is pathogenic, but additional data are needed to prove that conclusively. Therefore, this variant has been classified as Likely Pathogenic.

Literature cited by the submitters: PubMed 16199547; PubMed 12404112; PubMed 21598378.

NM_033305.3(VPS13A):c.8471+1G>A

Gene: VPS13A (vacuolar protein sorting 13 homolog A; plus strand). Cytogenetic location: 9q21.2.
Variant type: single nucleotide variant.
Coding change: c.8471+1G>A on transcript NM_033305.3 (MANE Select); the canonical splice donor site of the intron after coding-DNA position 8471, G replaced by A.
Molecular consequence: splice donor variant.
Genome position (GRCh38, 1-based): chr9:77,366,873, G>A. VCF-style: chr9-77366873-G-A. GRCh37 (hg19) VCF-style: chr9-79981789-G-A.
Other names: c.8354+1G>A (NM_001018037.2); c.8471+1G>A (NM_015186.4, NM_001018038.3).
Identifiers: ClinVar variation 3682136 (VCV003682136.2).